The following continues an entry in ClinVar:

NM_000051.4(ATM):c.7375C>G (p.Arg2459Gly)

ClinVar aggregate classification (germline): Uncertain significance. Uncertain significance (18).

Submissions 7 to 20 of 20:

Color Diagnostics, LLC DBA Color Health
Classification: Uncertain significance for Hereditary cancer-predisposing syndrome. Last evaluated: 2025-02-10. Review status: criteria provided, single submitter. Criteria: ACMG Guidelines, 2015. Collection method: clinical testing. Allele origin: germline.
Comment: This missense variant replaces arginine with glycine at codon 2459 of the ATM protein. Computational prediction suggests that this variant may have deleterious impact on protein structure and function. To our knowledge, functional studies have not been reported for this variant. In a large international case-control meta-analysis, this variant was reported in 12/60454 breast cancer cases and 5/53456 controls (OR=2.122, 95%CI 0.748 to 6.024, p-value=0.223; PMID: 33471991). This variant has been observed in individuals affected with breast cancer (PMID: 33128190, 33280026, 33471991, 33606809, 35264596), ovarian cancer (PMID: 24448499, 26689913, 33280026), lung cancer (PMID: 28843361), colorectal cancer (PMID: 28135145), and prostate cancer (PMID: 37436117). In addition, this variant has been observed in an individual affected with neurofibromatosis type 1, who also carried a CDKN2A whole gene deletion (PMID: 28051113). This variant has also been reported in an individual affected with ataxia-telangiectasia, although this individual was also found to have two co-occurring ATM mutations in trans (PMID: 21665257). This variant has been identified in 5/251258 chromosomes in the general population by the Genome Aggregation Database (gnomAD). The available evidence is insufficient to determine the role of this variant in disease conclusively. Therefore, this variant is classified as a Variant of Uncertain Significance.

Molecular Pathology, Peter Maccallum Cancer Centre
Classification: Uncertain significance for Ataxia-telangiectasia syndrome. Last evaluated: 2024-11-01. Review status: criteria provided, single submitter. Criteria: ACMG Guidelines, 2015. Collection method: clinical testing. Allele origin: germline. Inheritance: Autosomal recessive inheritance.

Blueprint Genetics
Classification: Uncertain significance. Last evaluated: 2024-10-23. Review status: criteria provided, single submitter. Criteria: ACMG Guidelines, 2015. Collection method: clinical testing. Allele origin: germline.

Fulgent Genetics
Classification: Uncertain significance for Familial cancer of breast; Ataxia-telangiectasia syndrome. Last evaluated: 2024-05-21. Review status: criteria provided, single submitter. Criteria: ACMG Guidelines, 2015. Collection method: clinical testing. Allele origin: germline.

Baylor Genetics
Classification: Uncertain significance for Familial cancer of breast. Last evaluated: 2024-03-27. Review status: criteria provided, single submitter. Criteria: ACMG Guidelines, 2015. Collection method: clinical testing. Allele origin: unknown.

GeneDx
Classification: Uncertain significance. Last evaluated: 2023-05-30. Review status: criteria provided, single submitter. Criteria: GeneDx Variant Classification Process June 2021. Collection method: clinical testing. Allele origin: germline. Affected: yes.
Comment: In silico analysis supports that this missense variant has a deleterious effect on protein structure/function; Not observed at significant frequency in large population cohorts (gnomAD); This variant is associated with the following publications: (PMID: 23585524, 24448499, 27067391, 28051113, 28843361, 26689913, 28135145, 26898890, 29752822, 33280026, 32365829, 33128190, 21665257, 33471991, 26580448, 23532176, 32986223, 33436325, 35264596)

CeGaT Center for Human Genetics Tuebingen
Classification: Uncertain significance. Last evaluated: 2022-09-01. Review status: criteria provided, single submitter. Criteria: CeGaT Center For Human Genetics Tuebingen Variant Classification Criteria Version 2. Collection method: clinical testing. Allele origin: germline. Affected: yes. Observed: 1 variant allele.
Comment: ATM: PM1, PP3

Sema4
Classification: Uncertain significance for Hereditary cancer-predisposing syndrome. Last evaluated: 2022-01-13. Review status: criteria provided, single submitter. Criteria: Sema4 Curation Guidelines. Collection method: curation. Allele origin: germline.
Comment: The ATM c.7375C>G (p.R2459G) variant has been reported in individuals with breast and/or ovarian cancer, colorectal cancer, lung cancer and neurofibromatosis type 1 (PMID: 24448499, 26689913, 27067391, 28051113, 28843361, 28135145, 29752822, 33471991). It has also been reported in an ataxia telangiectasia patient who also carried two pathogenic ATM variants which are more likely to explain the disease (PMID: 21665257). It was observed in 3/34588 chromosomes of the Latino subpopulation in the large and broad cohorts of the Genome Aggregation Database (PMID: 32461654). This variant has been reported in ClinVar (Variation ID 181982). In silico tools suggest the impact of the variant on protein function is deleterious though these predictions have not been confirmed by functional studies. The evidence is insufficient to meet ACMG/AMP criteria for classifying the variant as benign or pathogenic. Thus, the clinical significance of this variant is currently uncertain.

Athena Diagnostics
Classification: Uncertain significance. Last evaluated: 2021-06-25. Review status: criteria provided, single submitter. Criteria: Athena Diagnostics Criteria. Collection method: clinical testing. Allele origin: unknown.

Department of Pathology and Laboratory Medicine, Sinai Health System
Classification: Uncertain significance for Familial cancer of breast. Last evaluated: 2020-08-05. Review status: criteria provided, single submitter. Criteria: ACMG Guidelines, 2015. Collection method: clinical testing. Allele origin: germline. Affected: yes.

Spanish ATM Cancer Susceptibility Variant Interpretation Working Group
Classification: Uncertain significance for Hereditary cancer-predisposing syndrome. Last evaluated: 2020-06-17. Review status: criteria provided, single submitter. Criteria: Feliubadaló L et al. (Clin Chem 2021). Collection method: clinical testing. Allele origin: germline. Affected: yes. Observed: 10 heterozygotes. Clinical features observed: Breast carcinoma, Bilateral breast cancer, Ovarian cancer, Papillary thyroid carcinoma.
Comment: The c.7375C>G (p.Arg2459Gly) variant has an allele frequency of 0.000017 (0.002%, 4/236726 alleles) in the gnomAD v2.1.1 non-cancer dataset, with a maximal frequency of 0.000088 (0.009%, 3/34256 alleles) in the Latino / Admixed American subpopulation (no population frequency criterion met). This missense variant is not predicted to lead to a splicing alteration as per SPiCE predictor and no splicing site is created/activated according to at least 3 splicing predictors of the set SpliceSiteFinderlike - MaxEntScan - NNSplice – GeneSplicer, but it alters the protein function / structure on the in-silico prediction reports of REVEL and PROVEAN (PP3). There is no other supporting data that meet criteria for consideration. Therefore, the clinical significance of this variant is uncertain. Adapted ACMG/AMP rules applied as defined by the Spanish ATM working group: PP3 (PMID: 33280026).

Mendelics
Classification: Uncertain significance for Ataxia-telangiectasia syndrome. Last evaluated: 2018-07-02. Review status: criteria provided, single submitter. Criteria: Mendelics Assertion Criteria 2017. Collection method: clinical testing. Allele origin: unknown.

Natera, Inc.
Classification: Uncertain significance for Ataxia-telangiectasia. Last evaluated: 2020-09-16. Review status: no assertion criteria provided. Collection method: clinical testing. Allele origin: germline. Not counted in ClinVar's aggregate classification.

Franklin by Genoox
Classification: Uncertain significance. Review status: no assertion criteria provided. Collection method: clinical testing. Allele origin: unknown. Affected: yes. Not counted in ClinVar's aggregate classification.

Literature cited by the submitters: PubMed 21665257 (cited by 6 submitters); PubMed 24448499 (cited by 7 submitters); PubMed 26689913 (cited by 6 submitters); PubMed 27067391 (cited by 3 submitters); PubMed 28135145 (cited by 7 submitters); PubMed 29752822 (cited by Labcorp Genetics (formerly Invitae), Labcorp and Sema4); PubMed 32986223 (cited by Labcorp Genetics (formerly Invitae), Labcorp and Women's Health and Genetics/Laboratory Corporation of America, LabCorp); PubMed 35534704 (cited by Labcorp Genetics (formerly Invitae), Labcorp); PubMed 33128190 (cited by 4 submitters); PubMed 33436325 (cited by Women's Health and Genetics/Laboratory Corporation of America, LabCorp and Ambry Genetics); PubMed 34326862 (cited by Women's Health and Genetics/Laboratory Corporation of America, LabCorp); PubMed 41023008 (cited by Women's Health and Genetics/Laboratory Corporation of America, LabCorp); PubMed 26580448 (cited by Ambry Genetics); PubMed 33280026 (cited by 3 submitters); PubMed 33471991 (cited by 3 submitters); PubMed 33606809 (cited by Ambry Genetics and Color Diagnostics, LLC DBA Color Health); PubMed 35264596 (cited by Ambry Genetics and Color Diagnostics, LLC DBA Color Health); PubMed 28051113 (cited by 3 submitters); PubMed 28843361 (cited by 4 submitters); PubMed 37436117 (cited by Color Diagnostics, LLC DBA Color Health); PubMed 32365829 (cited by Athena Diagnostics).